The following is an entry in ClinVar:

NM_000422.3(KRT17):c.650A>C (p.Tyr217Ser)

Gene: KRT17 (keratin 17; minus strand). Cytogenetic location: 17q21.2.
Variant type: single nucleotide variant.
Coding change: c.650A>C on transcript NM_000422.3 (MANE Select); coding-DNA position 650, A replaced by C.
Protein change: p.Tyr217Ser; replaces tyrosine 217 with serine.
Molecular consequence: missense variant.
Genome position (GRCh38, 1-based): chr17:41,622,377, T>G on the plus strand (A>C on the coding strand, the complement: KRT17 is on the minus strand). VCF-style: chr17-41622377-T-G. GRCh37 (hg19) VCF-style: chr17-39778629-T-G.
Other names: short protein forms Y217S.
Identifiers: ClinVar variation 3700657 (VCV003700657.2).
Genomic context (GRCh38, chr17:41,622,377, plus strand): 5'-TCCTCAGCATCTTTGACCTTCTGCCCCAGCCACCTCACCTCCTCGTGGTTCTTCTTCAGG[T>G]AGGCCAGCTCCTCCTTGAGGTTCTCAATCTGCATCTCCAGGTCGGCTCTGGCCAGGGTCA-3'
Protein context (NP_000413.1, residues 207-227): QIENLKEELA[Tyr217Ser]LKKNHEEEMN

ClinVar aggregate classification (germline): Uncertain significance (1 of 4 stars; one submission).

gnomAD v4.1: 9 of 1,613,600 alleles (0.00056%); highest among the groups gnomAD compares: Non-Finnish European, 0.00076%; no homozygotes.

Submission:

Labcorp Genetics (formerly Invitae), Labcorp
Classification: Uncertain significance. Last evaluated: 2024-10-30. Review status: criteria provided, single submitter. Criteria: Invitae Variant Classification Sherloc (09022015). Collection method: clinical testing. Allele origin: germline.
Comment: This sequence change replaces tyrosine, which is neutral and polar, with serine, which is neutral and polar, at codon 217 of the KRT17 protein (p.Tyr217Ser). This variant is not present in population databases (gnomAD no frequency). This variant has not been reported in the literature in individuals affected with KRT17-related conditions. Invitae Evidence Modeling of protein sequence and biophysical properties (such as structural, functional, and spatial information, amino acid conservation, physicochemical variation, residue mobility, and thermodynamic stability) indicates that this missense variant is not expected to disrupt KRT17 protein function with a negative predictive value of 95%. In summary, the available evidence is currently insufficient to determine the role of this variant in disease. Therefore, it has been classified as a Variant of Uncertain Significance.